The following is an entry in ClinVar:

NM_033409.4(SLC52A3):c.763C>T (p.Leu255Phe)

Gene: SLC52A3 (solute carrier family 52 member 3; minus strand). Cytogenetic location: 20p13.
Variant type: single nucleotide variant.
Coding change: c.763C>T on transcript NM_033409.4 (MANE Select); coding-DNA position 763, C replaced by T.
Protein change: p.Leu255Phe; replaces leucine 255 with phenylalanine.
Molecular consequence: missense variant.
Genome position (GRCh38, 1-based): chr20:763,808, G>A on the plus strand (C>T on the coding strand, the complement: SLC52A3 is on the minus strand). VCF-style: chr20-763808-G-A. GRCh37 (hg19) VCF-style: chr20-744452-G-A.
Other names: c.763C>T, p.Leu255Phe (NM_001370085.1, NM_001370086.1); short protein forms L255F.
Identifiers: ClinVar variation 1044232 (VCV001044232.7), dbSNP rs1986576660, ClinGen allele CA407963147.
Genomic context (GRCh38, chr20:763,808, plus strand): 5'-GGCCCAAGTCATTCTCTTCCCGCGGCCGGATGGAGTGGAGGGTGACCTGGTCATTGAGGA[G>A]GTCTTCCACGGAAGCCTCCCAGCACCTGGGTTGACGCTGGAGGACAAAGAACGCCACGAG-3'
Protein context (NP_212134.3, residues 245-265): PRCWEASVED[Leu255Phe]LNDQVTLHSI

ClinVar aggregate classification (germline): Uncertain significance. Review status: criteria provided, multiple submitters, no conflicts (2 of 4 stars). 2 submissions from 2 submitters: Uncertain significance (2). Last evaluated 2021-08-28.

Conditions:
Inborn genetic diseases. Identifiers: MedGen C0950123, MeSH D030342.
Brown-Vialetto-van Laere syndrome 1. Also called: BROWN-VIALETTO-VAN LAERE SYNDROME 1, MILD; BULBAR PALSY, PROGRESSIVE, WITH SENSORINEURAL DEAFNESS; PONTOBULBAR PALSY WITH DEAFNESS. Identifiers: Orphanet 572550, Orphanet 97229, MedGen C0796274, MONDO:0024537, OMIM 211530.

Allele frequency attached by ClinVar (database versions not stated): gnomAD exomes below 0.00001.
gnomAD v4.1: 6 of 1,614,122 alleles (0.00037%); highest among the groups gnomAD compares: African/African-American, 0.0013%; no homozygotes.

Submissions (2):

Labcorp Genetics (formerly Invitae), Labcorp
Classification: Uncertain significance for Brown-Vialetto-van Laere syndrome 1. Last evaluated: 2021-08-28. Review status: criteria provided, single submitter. Criteria: Invitae Variant Classification Sherloc (09022015). Collection method: clinical testing. Allele origin: germline.
Comment: This sequence change replaces leucine with phenylalanine at codon 255 of the SLC52A3 protein (p.Leu255Phe). The leucine residue is moderately conserved and there is a small physicochemical difference between leucine and phenylalanine. This variant is not present in population databases (ExAC no frequency). This variant has not been reported in the literature in individuals affected with SLC52A3-related conditions. Algorithms developed to predict the effect of missense changes on protein structure and function (SIFT, PolyPhen-2, Align-GVGD) all suggest that this variant is likely to be tolerated. In summary, the available evidence is currently insufficient to determine the role of this variant in disease. Therefore, it has been classified as a Variant of Uncertain Significance.

Ambry Genetics
Classification: Uncertain significance for Inborn genetic diseases. Last evaluated: 2020-08-04. Review status: criteria provided, single submitter. Criteria: Ambry Variant Classification Scheme 2023. Collection method: clinical testing. Allele origin: germline.
Comment: The p.L255F variant (also known as c.763C>T), located in coding exon 2 of the SLC52A3 gene, results from a C to T substitution at nucleotide position 763. The leucine at codon 255 is replaced by phenylalanine, an amino acid with highly similar properties. This amino acid position is highly conserved in available vertebrate species. In addition, the in silico prediction for this alteration is inconclusive. Since supporting evidence is limited at this time, the clinical significance of this alteration remains unclear.